The following is an entry in ClinVar:

NM_001267550.2(TTN):c.97573G>A (p.Asp32525Asn)

Genes: TTN (titin; minus strand), TTN-AS1 (TTN antisense RNA 1; plus strand). Cytogenetic location: 2q31.2.
Variant type: single nucleotide variant.
Coding change: c.97573G>A on transcript NM_001267550.2 (MANE Select); coding-DNA position 97573, G replaced by A.
Protein change: p.Asp32525Asn; replaces aspartic acid 32525 with asparagine.
Molecular consequence: missense variant.
Genome position (GRCh38, 1-based): chr2:178,541,504, C>T on the plus strand (G>A on the coding strand, the complement: TTN is on the minus strand). VCF-style: chr2-178541504-C-T. GRCh37 (hg19) VCF-style: chr2-179406231-C-T.
Other names: c.92650G>A, p.Asp30884Asn (NM_001256850.1); c.70378G>A, p.Asp23460Asn (NM_003319.4); c.89869G>A, p.Asp29957Asn (NM_133378.4); c.70753G>A, p.Asp23585Asn (NM_133432.3); c.70954G>A, p.Asp23652Asn (NM_133437.4); short protein forms D23460N, D23585N, D23652N, D29957N, D30884N, D32525N.
Identifiers: ClinVar variation 3896263 (VCV003896263.2).

ClinVar aggregate classification (germline): Uncertain significance (1 of 4 stars; one submission).

Submission:

Women's Health and Genetics/Laboratory Corporation of America, LabCorp
Classification: Uncertain significance. Last evaluated: 2025-04-15. Review status: criteria provided, single submitter. Criteria: LabCorp Variant Classification Summary - May 2015. Collection method: clinical testing. Allele origin: germline.
Comment: Variant summary: TTN c.89869G>A (p.Asp29957Asn) results in a conservative amino acid change in the encoded protein sequence. Three of four in-silico tools predict a benign effect of the variant on protein function. The variant was absent in 248030 control chromosomes (gnomAD). The available data on variant occurrences in the general population are insufficient to allow any conclusion about variant significance. To our knowledge, no occurrence of c.89869G>A in individuals affected with Dilated Cardiomyopathy and no experimental evidence demonstrating its impact on protein function have been reported. No submitters have cited clinical-significance assessments for this variant to ClinVar. Based on the evidence outlined above, the variant was classified as uncertain significance.